The following is an entry in ClinVar:

ClinVar aggregate classification (germline): Likely pathogenic (1 of 4 stars; one submission).

Conditions:
Deficiency of UDPglucose-hexose-1-phosphate uridylyltransferase. Also called: GALT deficiency; Galactosemia, classic; Transferase Deficiency Galactosemia; GALACTOSEMIA I; GALACTOSE-1-PHOSPHATE URIDYLYLTRANSFERASE DEFICIENCY. Identifiers: Orphanet 352, Orphanet 79239, MedGen C0268151, MONDO:0009258, OMIM 230400.

Submission:

Women's Health and Genetics/Laboratory Corporation of America, LabCorp
Classification: Likely pathogenic for Galactosemia. Last evaluated: 2011-08-18. Review status: criteria provided, single submitter. Criteria: LabCorp Variant Classification Summary - May 2015. Collection method: curation, clinical testing. Allele origin: germline. Inheritance: autosomal unknown. Affected: yes.
ClinVar note: Converted during submission from likely pathogenic to Likely pathogenic.

NM_000155.4(GALT):c.687+1G>T

Gene: GALT (galactose-1-phosphate uridylyltransferase; plus strand). Cytogenetic location: 9p13.3.
Variant type: single nucleotide variant.
Coding change: c.687+1G>T on transcript NM_000155.4 (MANE Select); the canonical splice donor site of the intron after coding-DNA position 687, G replaced by T.
Molecular consequence: splice donor variant.
Genome position (GRCh38, 1-based): chr9:34,648,457, G>T. VCF-style: chr9-34648457-G-T. GRCh37 (hg19) VCF-style: chr9-34648454-G-T.
Other names: c.360+1G>T (NM_001258332.2).
Identifiers: ClinVar variation 36155 (VCV000036155.3), dbSNP rs193922250, ClinGen allele CA260407.
Genomic context (GRCh38, chr9:34,648,457, plus strand): 5'-AAGAGTCAGCATGGAGAGCCCCTGCTAATGGAGTACAGCCGCCAGGAGCTACTCAGGAAG[G>T]TGGGAGAGAGCCAAGCCCTGTGTCCCCAAGGAGTCCCTAACTTTCTTATCCCATGAGAGA-3'